The following is an entry in ClinVar:

ClinVar aggregate classification (germline): Uncertain significance (1 of 4 stars; one submission).

Submission:

GeneDx
Classification: Uncertain significance. Last evaluated: 2025-05-18. Review status: criteria provided, single submitter. Criteria: GeneDx Variant Classification Process June 2021. Collection method: clinical testing. Allele origin: germline. Affected: yes.
Comment: Not observed at significant frequency in large population cohorts (gnomAD); In silico analysis supports that this missense variant has a deleterious effect on protein structure/function; Has not been previously published as pathogenic or benign to our knowledge

NM_001100913.3(PACS2):c.2080G>T (p.Val694Leu)

Gene: PACS2 (phosphofurin acidic cluster sorting protein 2; plus strand). Cytogenetic location: 14q32.33.
Variant type: single nucleotide variant.
Coding change: c.2080G>T on transcript NM_001100913.3 (MANE Select); coding-DNA position 2080, G replaced by T.
Protein change: p.Val694Leu; replaces valine 694 with leucine.
Molecular consequence: missense variant.
Genome position (GRCh38, 1-based): chr14:105,391,210, G>T. VCF-style: chr14-105391210-G-T. GRCh37 (hg19) VCF-style: chr14-105857547-G-T.
Other names: c.1810G>T, p.Val604Leu (NM_001243127.3); c.2035G>T, p.Val679Leu (NM_015197.4); short protein forms V604L, V679L, V694L.
Identifiers: ClinVar variation 4530982 (VCV004530982.1).
Genomic context (GRCh38, chr14:105,391,210, plus strand): 5'-GGCGCTGGGCTAGCTGAATTGCACGGCTTTCACCAGCCAGTGCCTGTTGTTTTCTAGGTT[G>T]TGAAGGTTGGAATTGTGGAGCCATCCTCGGCCACATCAGGTAACCCCGTCCCACCCTGAG-3'
Protein context (NP_001094383.2, residues 684-704): SQKFIPFVGV[Val694Leu]KVGIVEPSSA